The following is an entry in ClinVar:

NM_001365088.1(SLC12A6):c.1285G>T (p.Val429Phe)

Gene: SLC12A6 (solute carrier family 12 member 6; minus strand). Cytogenetic location: 15q14.
Variant type: single nucleotide variant.
Coding change: c.1285G>T on transcript NM_001365088.1 (MANE Select); coding-DNA position 1285, G replaced by T.
Protein change: p.Val429Phe; replaces valine 429 with phenylalanine.
Molecular consequence: missense variant.
Genome position (GRCh38, 1-based): chr15:34,252,218, C>A on the plus strand (G>T on the coding strand, the complement: SLC12A6 is on the minus strand). VCF-style: chr15-34252218-C-A. GRCh37 (hg19) VCF-style: chr15-34544419-C-A.
Other names: c.1108G>T, p.Val370Phe (NM_001042494.2, NM_001042495.2); c.1258G>T, p.Val420Phe (NM_001042496.2); c.1240G>T, p.Val414Phe (NM_001042497.2); c.1132G>T, p.Val378Phe (NM_005135.2); c.1285G>T, p.Val429Phe (NM_133647.2); short protein forms V420F, V378F, V429F, V370F, V414F.
Identifiers: ClinVar variation 3670769 (VCV003670769.2).
Genomic context (GRCh38, chr15:34,252,218, plus strand): 5'-TCCCTAACTTACCTGTAATTATACCACTAGCCAATCCAGGAATGCCCTGGATTGAAGTGA[C>A]GTTATTGTGAACAAAGTATTCATCACAGGTGGCATTGAAAAATTGACTCGAGTTACAGAA-3'
Protein context (NP_001352017.1, residues 419-439): TCDEYFVHNN[Val429Phe]TSIQGIPGLA

ClinVar aggregate classification (germline): Uncertain significance (1 of 4 stars; one submission).

Submission:

Labcorp Genetics (formerly Invitae), Labcorp
Classification: Uncertain significance. Last evaluated: 2024-08-27. Review status: criteria provided, single submitter. Criteria: Invitae Variant Classification Sherloc (09022015). Collection method: clinical testing. Allele origin: germline.
Comment: This sequence change replaces valine, which is neutral and non-polar, with phenylalanine, which is neutral and non-polar, at codon 429 of the SLC12A6 protein (p.Val429Phe). This variant is present in population databases (rs752514623, gnomAD 0.02%). This variant has not been reported in the literature in individuals affected with SLC12A6-related conditions. Invitae Evidence Modeling of protein sequence and biophysical properties (such as structural, functional, and spatial information, amino acid conservation, physicochemical variation, residue mobility, and thermodynamic stability) indicates that this missense variant is not expected to disrupt SLC12A6 protein function with a negative predictive value of 80%. In summary, the available evidence is currently insufficient to determine the role of this variant in disease. Therefore, it has been classified as a Variant of Uncertain Significance.